The following is an entry in ClinVar:

ClinVar aggregate classification (germline): Uncertain significance. Review status: criteria provided, multiple submitters, no conflicts (2 of 4 stars). 2 submissions from 2 submitters: Uncertain significance (2). Last evaluated 2025-10-29.

Conditions:
Ataxia-telangiectasia syndrome (AT). Also called: ATAXIA-TELANGIECTASIA, FRESNO VARIANT; Ataxia-telangiectasia, complementation group E; Ataxia telangiectasia (A-T); Cerebello-oculocutaneous telangiectasia; Immunodeficiency with ataxia telangiectasia; LOUIS-BAR SYNDROME. Identifiers: Orphanet 100, MedGen C0004135, MONDO:0008840, OMIM 208900.
Hereditary cancer-predisposing syndrome. Also called: Hereditary Cancer Syndrome; Tumor predisposition; Neoplastic Syndromes, Hereditary; Hereditary neoplastic syndrome. Identifiers: Orphanet 140162, MedGen C0027672, MeSH D009386, MONDO:0015356.

gnomAD v4.1: 1 of 1,612,990 alleles (0.000062%); no homozygotes.

Submissions (2):

Ambry Genetics
Classification: Uncertain significance for Hereditary cancer-predisposing syndrome. Last evaluated: 2025-10-29. Review status: criteria provided, single submitter. Criteria: Ambry Variant Classification Scheme 2023. Collection method: clinical testing. Allele origin: germline.
Comment: The p.E281K variant (also known as c.841G>A), located in coding exon 6 of the ATM gene, results from a G to A substitution at nucleotide position 841. The glutamic acid at codon 281 is replaced by lysine, an amino acid with similar properties. This amino acid position is well conserved in available vertebrate species. In addition, this alteration is predicted to be tolerated by in silico analysis. Based on the available evidence, the clinical significance of this variant remains unclear.

Labcorp Genetics (formerly Invitae), Labcorp
Classification: Uncertain significance for Ataxia-telangiectasia syndrome. Last evaluated: 2018-10-05. Review status: criteria provided, single submitter. Criteria: Invitae Variant Classification Sherloc (09022015). Collection method: clinical testing. Allele origin: germline.
Comment: In summary, the available evidence is currently insufficient to determine the role of this variant in disease. Therefore, it has been classified as a Variant of Uncertain Significance. Algorithms developed to predict the effect of missense changes on protein structure and function (SIFT, PolyPhen-2, Align-GVGD) all suggest that this variant is likely to be tolerated, but these predictions have not been confirmed by published functional studies and their clinical significance is uncertain. This variant has not been reported in the literature in individuals with ATM-related disease. This variant is not present in population databases (ExAC no frequency). This sequence change replaces glutamic acid with lysine at codon 281 of the ATM protein (p.Glu281Lys). The glutamic acid residue is moderately conserved and there is a small physicochemical difference between glutamic acid and lysine.

NM_000051.4(ATM):c.841G>A (p.Glu281Lys)

Gene: ATM (ATM serine/threonine kinase; plus strand). Cytogenetic location: 11q22.3.
Variant type: single nucleotide variant.
Coding change: c.841G>A on transcript NM_000051.4 (MANE Select); coding-DNA position 841, G replaced by A.
Protein change: p.Glu281Lys; replaces glutamic acid 281 with lysine.
Molecular consequence: missense variant.
Genome position (GRCh38, 1-based): chr11:108,244,966, G>A. VCF-style: chr11-108244966-G-A. GRCh37 (hg19) VCF-style: chr11-108115693-G-A.
Other names: c.841G>A, p.Glu281Lys (NM_001351834.2); short protein forms E281K.
Identifiers: ClinVar variation 650216 (VCV000650216.9), dbSNP rs1591504491, ClinGen allele CA382529459.
Genomic context (GRCh38, chr11:108,244,966, plus strand): 5'-ACTTTGCTTTATATTTGGACTCAACATAGGCTTAATGATTCTTTAAAAGAAGTCATTATT[G>A]AATTATTTCAACTGCAAATTTATATCCATCATCCGAAAGGAGCCAAAACCCAAGAAAAAG-3'
Protein context (NP_000042.3, residues 271-291): LNDSLKEVII[Glu281Lys]LFQLQIYIHH